The following is an entry in ClinVar:

NM_001042492.3(NF1):c.372_373insTT (p.Arg125fs)

Gene: NF1 (neurofibromin 1; plus strand). Cytogenetic location: 17q11.2.
Variant type: Insertion.
Coding change: c.372_373insTT on transcript NM_001042492.3 (MANE Select); coding-DNA positions 372 to 373, TT inserted.
Protein change: p.Arg125fs; shifts the reading frame from arginine 125.
Molecular consequence: frameshift variant.
Genome position: GRCh38 VCF-style: chr17-31163268-G-GTT. GRCh37 (hg19) VCF-style: chr17-29490286-G-GTT.
Other names: c.372_373insTT, p.Arg125Phefs (NM_000267.4); c.372_373insTT, p.Arg125fs (NM_001128147.3); short protein forms R125fs.
Identifiers: ClinVar variation 449973 (VCV000449973.2), dbSNP rs1555606080, ClinGen allele CA658658579.

ClinVar aggregate classification (germline): Pathogenic (1 of 4 stars; one submission).

Submission:

GeneDx
Classification: Pathogenic. Last evaluated: 2017-05-10. Review status: criteria provided, single submitter. Criteria: GeneDx Variant Classification (06012015). Collection method: clinical testing. Allele origin: germline. Affected: yes.
Comment: This insertion of two nucleotides in NF1 is denoted c.372_373insTT at the cDNA level and p.Arg125PhefsX41 (R125FfsX41) at the protein level. The normal sequence, with the bases that are inserted in brackets, is CTGT[insTT]CGTG. The insertion causes a frameshift, which changes an Arginine to a Phenylalanine at codon 125, and creates a premature stop codon at position 41 of the new reading frame. Although this variant has not, to our knowledge, been reported in the literature, it is predicted to cause loss of normal protein function through either protein truncation or nonsense-mediated mRNA decay. Based on current evidence, we consider NF1 c.372_373insTT to be pathogenic.